The following is an entry in ClinVar:

NM_020433.5(JPH2):c.1640C>T (p.Ala547Val)

Gene: JPH2 (junctophilin 2; minus strand). Cytogenetic location: 20q13.12.
Variant type: single nucleotide variant.
Coding change: c.1640C>T on transcript NM_020433.5 (MANE Select); coding-DNA position 1640, C replaced by T.
Protein change: p.Ala547Val; replaces alanine 547 with valine.
Molecular consequence: missense variant.
Genome position (GRCh38, 1-based): chr20:44,116,035, G>A on the plus strand (C>T on the coding strand, the complement: JPH2 is on the minus strand). VCF-style: chr20-44116035-G-A. GRCh37 (hg19) VCF-style: chr20-42744675-G-A.
Other names: short protein forms A547V.
Identifiers: ClinVar variation 228751 (VCV000228751.6), dbSNP rs772283505, ClinGen allele CA9868649.
Genomic context (GRCh38, chr20:44,116,035, plus strand): 5'-TGGTAGCCCTGGTAAAGCGCCACCTCCGGCTCCCGCGACGGCGCAGGCGGTGCCTGCAGA[G>A]CCTCGATGGCCATGCGCTCGGTGGCTGGACGCGCGGGGCTGCGGCGGCCCGCGCCCTCGG-3'
Protein context (NP_065166.2, residues 537-557): RPATERMAIE[Ala547Val]LQAPPAPSRE

ClinVar aggregate classification (germline): Uncertain significance. Review status: criteria provided, multiple submitters, no conflicts (2 of 4 stars). 2 submissions from 2 submitters: Uncertain significance (2). Last evaluated 2023-01-13.

Conditions:
Cardiovascular phenotype. Identifiers: MedGen CN230736.

Allele frequency attached by ClinVar (database versions not stated): gnomAD 0.00001; gnomAD exomes 0.00001; TOPMed 0.00001; ExAC 0.00002.
gnomAD v4.1: 9 of 1,574,322 alleles (0.00057%); highest among the groups gnomAD compares: Non-Finnish European, 0.00068%; no homozygotes.

Submissions (2):

Ambry Genetics
Classification: Uncertain significance for Cardiovascular phenotype. Last evaluated: 2023-01-13. Review status: criteria provided, single submitter. Criteria: Ambry Variant Classification Scheme 2023. Collection method: clinical testing. Allele origin: germline.
Comment: The p.A547V variant (also known as c.1640C>T), located in coding exon 4 of the JPH2 gene, results from a C to T substitution at nucleotide position 1640. The alanine at codon 547 is replaced by valine, an amino acid with similar properties. This amino acid position is conserved. In addition, this alteration is predicted to be tolerated by in silico analysis. Since supporting evidence is limited at this time, the clinical significance of this alteration remains unclear.

Laboratory for Molecular Medicine, Mass General Brigham Personalized Medicine
Classification: Uncertain significance. Last evaluated: 2015-09-14. Review status: criteria provided, single submitter. Criteria: LMM Criteria. Collection method: clinical testing. Allele origin: germline. Observed: 1 variant allele.
Comment: The p.Ala547Val variant in JPH2 has not been previously reported in individuals with cardiomyopathy, but has been identified in 1/20736 European chromosomes by the Exome Aggregation Consortium (ExAC). Computa tional prediction tools and conservation analysis suggest that the p.Ala547Val v ariant may not impact the protein, though this information is not predictive eno ugh to rule out pathogenicity. In summary, the clinical significance of the p.Al a547Val variant is uncertain.